The following is an entry in ClinVar:

ClinVar aggregate classification (germline): Uncertain significance. Review status: criteria provided, multiple submitters, no conflicts (2 of 4 stars). 3 submissions from 3 submitters: Uncertain significance (3). Last evaluated 2025-12-29.

Conditions:
Hereditary cancer-predisposing syndrome. Also called: Hereditary Cancer Syndrome; Neoplastic Syndromes, Hereditary; Tumor predisposition; Hereditary neoplastic syndrome. Identifiers: Orphanet 140162, MedGen C0027672, MeSH D009386, MONDO:0015356.
Ataxia-telangiectasia syndrome (AT). Also called: Ataxia-telangiectasia, complementation group D; AT, COMPLEMENTATION GROUP C; Ataxia-telangiectasia; ATAXIA-TELANGIECTASIA, COMPLEMENTATION GROUP A; ATAXIA-TELANGIECTASIA, FRESNO VARIANT; LOUIS-BAR SYNDROME. Identifiers: Orphanet 100, MedGen C0004135, MONDO:0008840, OMIM 208900.

Submissions (3):

Center for Genomic Medicine, Rigshospitalet, Copenhagen University Hospital
Classification: Uncertain significance. Last evaluated: 2025-12-29. Review status: criteria provided, single submitter. Criteria: ACMG Guidelines, 2015. Collection method: clinical testing. Allele origin: germline.
Comment: Classification criteria: PP3_supporting, PM2_supporting

Labcorp Genetics (formerly Invitae), Labcorp
Classification: Uncertain significance for Ataxia-telangiectasia syndrome. Last evaluated: 2025-05-18. Review status: criteria provided, single submitter. Criteria: Invitae Variant Classification Sherloc (09022015). Collection method: clinical testing. Allele origin: germline.
Comment: This sequence change falls in intron 21 of the ATM gene. It does not directly change the encoded amino acid sequence of the ATM protein. It affects a nucleotide within the consensus splice site. This variant is not present in population databases (gnomAD no frequency). This variant has not been reported in the literature in individuals affected with ATM-related conditions. ClinVar contains an entry for this variant (Variation ID: 631211). Variants that disrupt the consensus splice site are a relatively common cause of aberrant splicing (PMID: 17576681, 9536098). Algorithms developed to predict the effect of sequence changes on RNA splicing suggest that this variant may disrupt the consensus splice site. In summary, the available evidence is currently insufficient to determine the role of this variant in disease. Therefore, it has been classified as a Variant of Uncertain Significance.

Color Diagnostics, LLC DBA Color Health
Classification: Uncertain significance for Hereditary cancer-predisposing syndrome. Last evaluated: 2018-07-21. Review status: criteria provided, single submitter. Criteria: ACMG Guidelines, 2015. Collection method: clinical testing. Allele origin: germline.

Literature cited by the submitters: PubMed 17576681 (cited by Labcorp Genetics (formerly Invitae), Labcorp); PubMed 9536098 (cited by Labcorp Genetics (formerly Invitae), Labcorp).

NM_000051.4(ATM):c.3153+3G>T

Gene: ATM (ATM serine/threonine kinase; plus strand). Cytogenetic location: 11q22.3.
Variant type: single nucleotide variant.
Coding change: c.3153+3G>T on transcript NM_000051.4 (MANE Select); 3 bases into the intron after coding-DNA position 3153, G replaced by T.
Molecular consequence: intron variant.
Genome position (GRCh38, 1-based): chr11:108,272,610, G>T. VCF-style: chr11-108272610-G-T. GRCh37 (hg19) VCF-style: chr11-108143337-G-T.
Other names: c.3153+3G>T (NM_001351834.2).
Identifiers: ClinVar variation 631211 (VCV000631211.8), dbSNP rs1565428067, ClinGen allele CA913187691.
Genomic context (GRCh38, chr11:108,272,610, plus strand): 5'-GAAATATATATTCTCTGTAAGAATGGCCCTAGTAAATTGCCTTAAAACTTTGCTTGAGGT[G>T]AGTTTTTGCATTTTTTTAGTAAGATCTCCATTGAAAATTTTAAAGCAGTCTTTGTTTGTT-3'